The following is an entry in ClinVar:

ClinVar aggregate classification (germline): Pathogenic/Likely pathogenic. Review status: criteria provided, multiple submitters, no conflicts (2 of 4 stars). 2 submissions from 2 submitters: Pathogenic (1); Likely pathogenic (1). Last evaluated 2023-07-14.

Conditions:
Immunodeficiency-centromeric instability-facial anomalies syndrome 1 (ICF1). Identifiers: Orphanet 2268, MedGen C4551557, MONDO:0009454, OMIM 242860.
Centromeric instability of chromosomes 1,9 and 16 and immunodeficiency (ICF1). Also called: IMMUNE DEFICIENCY, VARIABLE, WITH CENTROMERIC INSTABILITY OF CHROMOSOMES 1, 9, AND 16; IMMUNODEFICIENCY SYNDROME, VARIABLE; CENTROMERIC INSTABILITY, IMMUNODEFICIENCY SYNDROME; Immunodeficiency-centromeric instability-facial anomalies. Identifiers: Orphanet 2268, MedGen C0398788, MONDO:0000133.

Allele frequency attached by ClinVar (database versions not stated): gnomAD exomes below 0.00001; TOPMed below 0.00001; gnomAD 0.00001.

Submissions (2):

Labcorp Genetics (formerly Invitae), Labcorp
Classification: Pathogenic for Centromeric instability of chromosomes 1,9 and 16 and immunodeficiency. Last evaluated: 2023-07-14. Review status: criteria provided, single submitter. Criteria: Invitae Variant Classification Sherloc (09022015). Collection method: clinical testing. Allele origin: germline.
Comment: For these reasons, this variant has been classified as Pathogenic. This sequence change creates a premature translational stop signal (p.Gln783Argfs*21) in the DNMT3B gene. While this is not anticipated to result in nonsense mediated decay, it is expected to disrupt the last 71 amino acid(s) of the DNMT3B protein. This variant is present in population databases (no rsID available, gnomAD 0.0009%). This variant has not been reported in the literature in individuals affected with DNMT3B-related conditions. ClinVar contains an entry for this variant (Variation ID: 657788). This variant disrupts a region of the DNMT3B protein in which other variant(s) (p.Asp817Gly) have been determined to be pathogenic (PMID: 10647011, 11919202, 16501171, 26851945). This suggests that this is a clinically significant region of the protein, and that variants that disrupt it are likely to be disease-causing.

ARUP Laboratories, Molecular Genetics and Genomics, ARUP Laboratories
Classification: Likely pathogenic for Immunodeficiency-centromeric instability-facial anomalies syndrome 1. Last evaluated: 2021-09-13. Review status: criteria provided, single submitter. Criteria: ARUP Molecular Germline Variant Investigation Process 2021. Collection method: clinical testing. Allele origin: germline.
Comment: The DNMT3B c.2348_2349delAG; p.Gln783ArgfsTer21 variant (rs1368779496), to our knowledge, is not reported in the medical literature but is reported as likely pathogenic in ClinVar (Variation ID: 657788). This variant is found on a single chromosome in the Genome Aggregation Database (1/251464 alleles), indicating it is not a common polymorphism. This variant causes a frameshift by deleting two nucleotides, so it is predicted to result in a truncated protein or mRNA subject to nonsense-mediated decay. Other truncating variants, as well as missense variants downstream of this frameshift variant, have been reported in individuals affected with immunodeficiency, centromeric instability and facial dysmorphism (ICF) syndrome (Hagleitner 2008, Xu 1999). Based on available information, the p.Gln783ArgfsTer21 variant is considered to be likely pathogenic. References: Hagleitner et al. Clinical spectrum of immunodeficiency, centromeric instability and facial dysmorphism (ICF syndrome). J Med Genet. 2008 Feb;45(2):93-9. PMID: 17893117. Xu et al. Chromosome instability and immunodeficiency syndrome caused by mutations in a DNA methyltransferase gene. Nature. 1999 Nov 11;402(6758):187-91. PMID: 10647011.

Literature cited by the submitters: PubMed 10647011 (cited by Labcorp Genetics (formerly Invitae), Labcorp); PubMed 11919202 (cited by Labcorp Genetics (formerly Invitae), Labcorp); PubMed 16501171 (cited by Labcorp Genetics (formerly Invitae), Labcorp); PubMed 26851945 (cited by Labcorp Genetics (formerly Invitae), Labcorp).

NM_006892.4(DNMT3B):c.2348_2349del (p.Gln783fs)

Gene: DNMT3B (DNA methyltransferase 3 beta; plus strand). Cytogenetic location: 20q11.21.
Variant type: Deletion.
Coding change: c.2348_2349del on transcript NM_006892.4 (MANE Select); coding-DNA positions 2348 to 2349, 2 bases deleted (AG; older notation c.2348_2349delAG).
Protein change: p.Gln783fs; shifts the reading frame from glutamine 783.
Molecular consequence: frameshift variant. On other transcripts: intron variant (3).
Genome position (GRCh38, 1-based): chr20:32,806,255-32,806,256, AG deleted. VCF-style (leftmost placement, unchanged base first): chr20-32806254-CAG-C. GRCh37 (hg19) VCF-style: chr20-31394060-CAG-C.
Other names: c.2288_2289del, p.Gln763fs (NM_175848.2); c.2324_2325del, p.Gln775fs (NM_175850.3); c.2172-1507_2172-1506del (NM_175849.2); c.2046-1507_2046-1506del (NM_001207055.2); c.1944-1507_1944-1506del (NM_001207056.2); short protein forms Q783fs, Q763fs, Q775fs.
Identifiers: ClinVar variation 657788 (VCV000657788.15), dbSNP rs1368779496, ClinGen allele CA634807926.